The following is an entry in ClinVar:

NM_134261.3(RORA):c.184A>T (p.Lys62Ter)

Gene: RORA (RAR related orphan receptor A; minus strand). Cytogenetic location: 15q22.2.
Variant type: single nucleotide variant.
Coding change: c.184A>T on transcript NM_134261.3 (MANE Select); coding-DNA position 184, A replaced by T.
Protein change: p.Lys62Ter; replaces lysine 62 with a stop codon.
Molecular consequence: nonsense.
Genome position (GRCh38, 1-based): chr15:60,678,669, T>A on the plus strand (A>T on the coding strand, the complement: RORA is on the minus strand). VCF-style: chr15-60678669-T-A. GRCh37 (hg19) VCF-style: chr15-60970868-T-A.
Other names: short protein forms K62*.
Identifiers: ClinVar variation 2307580 (VCV002307580.2), dbSNP rs2542656408, ClinGen allele CA392801800.
Genomic context (GRCh38, chr15:60,678,669, plus strand): 5'-TTCCAACTCTTCAGAAAACTTTGGACAGAAAAAAAATGCATTACTTACATGTATGTGTCT[T>A]CTTCGTTACTGAGATACCTGGAAGAGAAGAAACAATAACATAGGTTAGAAAGTGCCCTGT-3'

ClinVar aggregate classification (germline): Pathogenic (1 of 4 stars; one submission).

Conditions:
Inborn genetic diseases. Identifiers: MedGen C0950123, MeSH D030342.

Submission:

Ambry Genetics
Classification: Pathogenic for Inborn genetic diseases. Last evaluated: 2022-09-05. Review status: criteria provided, single submitter. Criteria: Ambry Variant Classification Scheme 2023. Collection method: clinical testing. Allele origin: germline.
Comment: The c.184A>T (p.K62*) alteration, located in exon 2 (coding exon 2) of the RORA gene, consists of an A to T substitution at nucleotide position 184. This changes the amino acid from a lysine (K) to a stop codon at amino acid position 62. This alteration is expected to result in loss of function by premature protein truncation or nonsense-mediated mRNA decay. This variant was not reported in population-based cohorts in the Genome Aggregation Database (gnomAD). Based on the available evidence, this alteration is classified as pathogenic.